The following is an entry in ClinVar:

ClinVar aggregate classification (germline): Uncertain significance (1 of 4 stars; one submission).

Conditions:
Inborn genetic diseases. Identifiers: MedGen C0950123, MeSH D030342.

gnomAD v4.1: 3 of 1,614,054 alleles (0.00019%); highest among the groups gnomAD compares: Admixed American, 0.005%; no homozygotes.

Submission:

Ambry Genetics
Classification: Uncertain significance for Inborn genetic diseases. Last evaluated: 2025-10-05. Review status: criteria provided, single submitter. Criteria: Ambry Variant Classification Scheme 2023. Collection method: clinical testing. Allele origin: germline.
Comment: The p.K1090E variant (also known as c.3268A>G), located in coding exon 24 of the ANKRD26 gene, results from an A to G substitution at nucleotide position 3268. The lysine at codon 1090 is replaced by glutamic acid, an amino acid with similar properties. This amino acid position is conserved. In addition, this alteration is predicted to be tolerated by in silico analysis. Based on the available evidence, the clinical significance of this variant remains unclear.

NM_014915.3(ANKRD26):c.3268A>G (p.Lys1090Glu)

Gene: ANKRD26 (ankyrin repeat domain 26; minus strand). Cytogenetic location: 10p12.1.
Variant type: single nucleotide variant.
Coding change: c.3268A>G on transcript NM_014915.3 (MANE Select); coding-DNA position 3268, A replaced by G.
Protein change: p.Lys1090Glu; replaces lysine 1090 with glutamic acid.
Molecular consequence: missense variant.
Genome position (GRCh38, 1-based): chr10:27,035,182, T>C on the plus strand (A>G on the coding strand, the complement: ANKRD26 is on the minus strand). VCF-style: chr10-27035182-T-C. GRCh37 (hg19) VCF-style: chr10-27324111-T-C.
Other names: c.3265A>G, p.Lys1089Glu (NM_001256053.2); short protein forms K1089E, K1090E.
Identifiers: ClinVar variation 4579140 (VCV004579140.1).